The following is an entry in ClinVar:

Conditions:
Breast-ovarian cancer, familial, susceptibility to, 1 (BROVCA1). Also called: BRCA1 Hereditary Breast and Ovarian Cancer; OVARIAN CANCER, SUSCEPTIBILITY TO. Identifiers: Orphanet 145, MedGen C2676676, MONDO:0011450, OMIM 604370. Disease mechanism: loss of function.

Submission:

Brotman Baty Institute, University of Washington
No classification provided (evidence only). Condition: Breast-ovarian cancer, familial 1. Review status: no classification provided. Collection method: in vitro. Allele origin: not applicable. Functional consequence: functionally_normal.
ClinVar note: "not provided" was previously submitted as the classification for the variant. However, the classification appeared to be based only on an observation of functional data so it was converted to no classification on 2025-07-30.

NM_007294.4(BRCA1):c.5012A>T (p.Lys1671Ile)

Gene: BRCA1 (BRCA1 DNA repair associated; minus strand). Cytogenetic location: 17q21.31.
Variant type: single nucleotide variant.
Coding change: c.5012A>T on transcript NM_007294.4 (MANE Select); coding-DNA position 5012, A replaced by T.
Protein change: p.Lys1671Ile; replaces lysine 1671 with isoleucine.
Molecular consequence: missense variant. On other transcripts: non-coding transcript variant (1).
Genome position (GRCh38, 1-based): chr17:43,067,670, T>A on the plus strand (A>T on the coding strand, the complement: BRCA1 is on the minus strand). VCF-style: chr17-43067670-T-A. GRCh37 (hg19) VCF-style: chr17-41219687-T-A.
Other names: c.4799A>T, p.Lys1600Ile (NM_001407571.1, NM_001407894.1, NM_001407895.1 and 12 more transcripts); c.5078A>T, p.Lys1693Ile (NM_001407581.1, NM_001407582.1); c.5075A>T, p.Lys1692Ile (NM_001407583.1, NM_001407585.1, NM_001407587.1 and 1 more transcripts); c.5072A>T, p.Lys1691Ile (NM_001407590.1, NM_001407591.1); c.5012A>T, p.Lys1671Ile (NM_001407593.1, NM_001407594.1, NM_001407596.1 and 8 more transcripts); c.5009A>T, p.Lys1670Ile (NM_001407616.1, NM_001407617.1, NM_001407618.1 and 17 more transcripts); c.5006A>T, p.Lys1669Ile (NM_001407635.1, NM_001407636.1, NM_001407637.1 and 14 more transcripts); c.5003A>T, p.Lys1668Ile (NM_001407644.1, NM_001407645.1); and 70 more; short protein forms K1624I, K1692I, K1671I, K567I, K1544I, K1583I, K1600I, K1643I.
Identifiers: ClinVar variation 868526 (VCV000868526.3), dbSNP rs2052181606, ClinGen allele CA10591493.